The following is an entry in ClinVar:

NM_014727.3(KMT2B):c.587T>C (p.Leu196Pro)

Gene: KMT2B (lysine methyltransferase 2B; plus strand). Cytogenetic location: 19q13.12.
Variant type: single nucleotide variant.
Coding change: c.587T>C on transcript NM_014727.3 (MANE Select); coding-DNA position 587, T replaced by C.
Protein change: p.Leu196Pro; replaces leucine 196 with proline.
Molecular consequence: missense variant.
Genome position (GRCh38, 1-based): chr19:35,719,934, T>C. VCF-style: chr19-35719934-T-C. GRCh37 (hg19) VCF-style: chr19-36210836-T-C.
Other names: short protein forms L196P.
Identifiers: ClinVar variation 3620255 (VCV003620255.2).
Genomic context (GRCh38, chr19:35,719,934, plus strand): 5'-CCCCTGCCCGGAAACGGGGTGAGGAAGGCACAGAACGGATGGTGCAGGCACTGACTGAAC[T>C]TCTCCGGCGGGCCCAGGCACCCCAAGCACCCCGGAGCCGGGCATGTGAGCCCTCCACCCC-3'
Protein context (NP_055542.1, residues 186-206): TERMVQALTE[Leu196Pro]LRRAQAPQAP

ClinVar aggregate classification (germline): Uncertain significance (1 of 4 stars; one submission).

Submission:

Labcorp Genetics (formerly Invitae), Labcorp
Classification: Uncertain significance. Last evaluated: 2024-02-14. Review status: criteria provided, single submitter. Criteria: Invitae Variant Classification Sherloc (09022015). Collection method: clinical testing. Allele origin: germline.
Comment: This sequence change replaces leucine, which is neutral and non-polar, with proline, which is neutral and non-polar, at codon 196 of the KMT2B protein (p.Leu196Pro). This variant is not present in population databases (gnomAD no frequency). This variant has not been reported in the literature in individuals affected with KMT2B-related conditions. Advanced modeling of protein sequence and biophysical properties (such as structural, functional, and spatial information, amino acid conservation, physicochemical variation, residue mobility, and thermodynamic stability) performed at Invitae indicates that this missense variant is not expected to disrupt KMT2B protein function with a negative predictive value of 80%. In summary, the available evidence is currently insufficient to determine the role of this variant in disease. Therefore, it has been classified as a Variant of Uncertain Significance.